The following is an entry in ClinVar:

NM_002691.4(POLD1):c.589+5G>T

Gene: POLD1 (DNA polymerase delta 1, catalytic subunit; plus strand). Cytogenetic location: 19q13.33.
Variant type: single nucleotide variant.
Coding change: c.589+5G>T on transcript NM_002691.4 (MANE Select); 5 bases into the intron after coding-DNA position 589, G replaced by T.
Molecular consequence: intron variant.
Genome position (GRCh38, 1-based): chr19:50,402,129, G>T. VCF-style: chr19-50402129-G-T. GRCh37 (hg19) VCF-style: chr19-50905386-G-T.
Other names: c.589+5G>T (NM_001256849.1, NM_001438212.1, NM_001438213.1 and 3 more transcripts).
Identifiers: ClinVar variation 4727146 (VCV004727146.1).

ClinVar aggregate classification (germline): Uncertain significance (1 of 4 stars; one submission).

Conditions:
POLD1-related polyposis and colorectal cancer syndrome (CRCS10). Also called: COLORECTAL CANCER, SUSCEPTIBILITY TO, ON CHROMOSOME 19q; Colorectal cancer 10; Colorectal cancer, susceptibility to, 10. Identifiers: Orphanet 220460, MedGen C2675481, MONDO:0012953, OMIM 612591.

Submission:

Labcorp Genetics (formerly Invitae), Labcorp
Classification: Uncertain significance for POLD1-related polyposis and colorectal cancer syndrome. Last evaluated: 2025-09-14. Review status: criteria provided, single submitter. Criteria: Invitae Variant Classification Sherloc (09022015). Collection method: clinical testing. Allele origin: germline.
Comment: This sequence change falls in intron 5 of the POLD1 gene. It does not directly change the encoded amino acid sequence of the POLD1 protein. It affects a nucleotide within the consensus splice site. This variant is not present in population databases (gnomAD no frequency). This variant has not been reported in the literature in individuals affected with POLD1-related conditions. Variants that disrupt the consensus splice site are a relatively common cause of aberrant splicing (PMID: 17576681, 9536098). Algorithms developed to predict the effect of sequence changes on RNA splicing suggest that this variant may disrupt the consensus splice site. In summary, the available evidence is currently insufficient to determine the role of this variant in disease. Therefore, it has been classified as a Variant of Uncertain Significance.

Literature cited by the submitters: PubMed 17576681; PubMed 9536098.